The following is an entry in ClinVar:

NM_000548.5(TSC2):c.3164_3171dup (p.Lys1058fs)

Gene: TSC2 (TSC complex subunit 2; plus strand). Cytogenetic location: 16p13.3.
Variant type: Duplication.
Coding change: c.3164_3171dup on transcript NM_000548.5 (MANE Select); coding-DNA positions 3164 to 3171, 8 bases duplicated (GCAGGACC; older notation c.3164_3171dupGCAGGACC).
Protein change: p.Lys1058fs; shifts the reading frame from lysine 1058.
Molecular consequence: frameshift variant.
Genome position (GRCh38, 1-based): chr16:2,079,308-2,079,315, GCAGGACC duplicated. VCF-style (leftmost placement, unchanged base first): chr16-2079307-G-GGCAGGACC. GRCh37 (hg19) VCF-style: chr16-2129308-G-GGCAGGACC.
Other names: c.3032_3039dup, p.Lys1014fs (NM_001077183.3, NM_001370404.1); c.3164_3171dup, p.Lys1058fs (NM_001114382.3); c.2924_2931dup, p.Lys978fs (NM_001318827.2); c.2888_2895dup, p.Lys966fs (NM_001318829.2); c.2432_2439dup, p.Lys814fs (NM_001318831.2); c.3065_3072dup, p.Lys1025fs (NM_001318832.2); c.3035_3042dup, p.Lys1015fs (NM_001363528.2, NM_001370405.1, NM_021055.3); c.3161_3168dup, p.Lys1057Alafs (NM_001406663.1, NM_001406664.1); and 21 more; short protein forms K814fs, K1058fs, K966fs, K978fs, K1014fs, K1015fs, K1025fs.
Identifiers: ClinVar variation 1728340 (VCV001728340.2), dbSNP rs2544046016, ClinGen allele CA2580090930.

ClinVar aggregate classification (germline): Pathogenic (1 of 4 stars; one submission).

Conditions:
Hereditary cancer-predisposing syndrome. Also called: Tumor predisposition; Neoplastic Syndromes, Hereditary; Hereditary Cancer Syndrome; Hereditary neoplastic syndrome. Identifiers: Orphanet 140162, MedGen C0027672, MeSH D009386, MONDO:0015356.

Submission:

Ambry Genetics
Classification: Pathogenic for Hereditary cancer-predisposing syndrome. Last evaluated: 2017-08-10. Review status: criteria provided, single submitter. Criteria: Ambry Variant Classification Scheme 2023. Collection method: clinical testing. Allele origin: germline.
Comment: The c.3164_3171dupGCAGGACC pathogenic mutation, located in coding exon 27 of the TSC2 gene, results from a duplication of GCAGGACC at nucleotide position 3164, causing a translational frameshift with a predicted alternate stop codon (p.K1058Afs*15). This alteration is expected to result in loss of function by premature protein truncation or nonsense-mediated mRNA decay. As such, this alteration is interpreted as a disease-causing mutation.